The following is an entry in ClinVar:

ClinVar aggregate classification (germline): Uncertain significance. Review status: criteria provided, multiple submitters, no conflicts (2 of 4 stars). 2 submissions from 2 submitters: Uncertain significance (2). Last evaluated 2025-06-03.

Conditions:
Familial cutaneous telangiectasia and oropharyngeal predisposition cancer syndrome. Identifiers: Orphanet 313846, MedGen C3281203, MONDO:0013806, OMIM 614564.
Seckel syndrome 1 (SCKL1). Also called: MICROCEPHALIC PRIMORDIAL DWARFISM I. Identifiers: Orphanet 808, MedGen C4551474, MONDO:0008869, OMIM 210600.

Allele frequency attached by ClinVar (database versions not stated): gnomAD exomes below 0.00001 and 0.00003; TOPMed below 0.00001.

Submissions (2):

Labcorp Genetics (formerly Invitae), Labcorp
Classification: Uncertain significance. Last evaluated: 2025-06-03. Review status: criteria provided, single submitter. Criteria: Invitae Variant Classification Sherloc (09022015). Collection method: clinical testing. Allele origin: germline.
Comment: This sequence change replaces arginine, which is basic and polar, with cysteine, which is neutral and slightly polar, at codon 215 of the ATR protein (p.Arg215Cys). This variant is present in population databases (no rsID available, gnomAD 0.003%). This variant has not been reported in the literature in individuals affected with ATR-related conditions. ClinVar contains an entry for this variant (Variation ID: 1413274). An algorithm developed to predict the effect of missense changes on protein structure and function (PolyPhen-2) suggests that this variant is likely to be tolerated. In summary, the available evidence is currently insufficient to determine the role of this variant in disease. Therefore, it has been classified as a Variant of Uncertain Significance.

Fulgent Genetics
Classification: Uncertain significance for Seckel syndrome 1; Familial cutaneous telangiectasia and oropharyngeal predisposition cancer syndrome. Last evaluated: 2024-05-17. Review status: criteria provided, single submitter. Criteria: ACMG Guidelines, 2015. Collection method: clinical testing. Allele origin: germline.

NM_001184.4(ATR):c.643C>T (p.Arg215Cys)

Gene: ATR (ATR checkpoint kinase; minus strand). Cytogenetic location: 3q23.
Variant type: single nucleotide variant.
Coding change: c.643C>T on transcript NM_001184.4 (MANE Select); coding-DNA position 643, C replaced by T.
Protein change: p.Arg215Cys; replaces arginine 215 with cysteine.
Molecular consequence: missense variant.
Genome position (GRCh38, 1-based): chr3:142,562,759, G>A on the plus strand (C>T on the coding strand, the complement: ATR is on the minus strand). VCF-style: chr3-142562759-G-A. GRCh37 (hg19) VCF-style: chr3-142281601-G-A.
Other names: c.643C>T, p.Arg215Cys (NM_001354579.2); short protein forms R215C.
Identifiers: ClinVar variation 1413274 (VCV001413274.7), dbSNP rs1464478582, ClinGen allele CA354826155.